The following is an entry in ClinVar:

NM_000334.4(SCN4A):c.4642A>G (p.Ser1548Gly)

Genes: GH-LCR (growth hormone locus control region; plus strand), SCN4A (sodium voltage-gated channel alpha subunit 4; minus strand). Cytogenetic location: 17q23.3.
Variant type: single nucleotide variant.
Coding change: c.4642A>G on transcript NM_000334.4 (MANE Select); coding-DNA position 4642, A replaced by G.
Protein change: p.Ser1548Gly; replaces serine 1548 with glycine.
Molecular consequence: missense variant.
Genome position (GRCh38, 1-based): chr17:63,941,640, T>C on the plus strand (A>G on the coding strand, the complement: SCN4A is on the minus strand). VCF-style: chr17-63941640-T-C. GRCh37 (hg19) VCF-style: chr17-62019000-T-C.
Other names: short protein forms S1548G.
Identifiers: ClinVar variation 574860 (VCV000574860.9), dbSNP rs1567816311, ClinGen allele CA400615575.

ClinVar aggregate classification (germline): Uncertain significance (1 of 4 stars; one submission).

Conditions:
Hyperkalemic periodic paralysis. Also called: Familial hyperkalemic periodic paralysis; Gamstorp disease. Identifiers: Orphanet 682, MedGen C0238357, MONDO:0008224, OMIM 170500, HP:0007215.

Submission:

Labcorp Genetics (formerly Invitae), Labcorp
Classification: Uncertain significance for Hyperkalemic periodic paralysis. Last evaluated: 2023-05-24. Review status: criteria provided, single submitter. Criteria: Invitae Variant Classification Sherloc (09022015). Collection method: clinical testing. Allele origin: germline.
Comment: In summary, the available evidence is currently insufficient to determine the role of this variant in disease. Therefore, it has been classified as a Variant of Uncertain Significance. Advanced modeling of protein sequence and biophysical properties (such as structural, functional, and spatial information, amino acid conservation, physicochemical variation, residue mobility, and thermodynamic stability) has been performed at Invitae for this missense variant, however the output from this modeling did not meet the statistical confidence thresholds required to predict the impact of this variant on SCN4A protein function. ClinVar contains an entry for this variant (Variation ID: 574860). This variant has not been reported in the literature in individuals affected with SCN4A-related conditions. This variant is not present in population databases (gnomAD no frequency). This sequence change replaces serine, which is neutral and polar, with glycine, which is neutral and non-polar, at codon 1548 of the SCN4A protein (p.Ser1548Gly).